The following is an entry in ClinVar:

ClinVar aggregate classification (germline): Uncertain significance (1 of 4 stars; one submission).

gnomAD v4.1: 2 of 1,600,680 alleles (0.00012%); highest among the groups gnomAD compares: South Asian, 0.0022%; no homozygotes.

Submission:

Ambry Genetics
Classification: Uncertain significance. Last evaluated: 2024-04-09. Review status: criteria provided, single submitter. Criteria: Ambry Variant Classification Scheme 2023. Collection method: clinical testing. Allele origin: germline.
Comment: The p.E608Q variant (also known as c.1822G>C), located in coding exon 18 of the RASA2 gene, results from a G to C substitution at nucleotide position 1822. The glutamic acid at codon 608 is replaced by glutamine, an amino acid with highly similar properties. This amino acid position is conserved. In addition, this alteration is predicted to be deleterious by in silico analysis. Based on the available evidence, the clinical significance of this variant remains unclear.

NM_006506.5(RASA2):c.1822G>C (p.Glu608Gln)

Gene: RASA2 (RAS p21 protein activator 2; plus strand). Cytogenetic location: 3q23.
Variant type: single nucleotide variant.
Coding change: c.1822G>C on transcript NM_006506.5 (MANE Select); coding-DNA position 1822, G replaced by C.
Protein change: p.Glu608Gln; replaces glutamic acid 608 with glutamine.
Molecular consequence: missense variant.
Genome position (GRCh38, 1-based): chr3:141,586,094, G>C. VCF-style: chr3-141586094-G-C. GRCh37 (hg19) VCF-style: chr3-141304936-G-C.
Other names: c.1822G>C, p.Glu608Gln (NM_001303245.3, NM_001303246.3); short protein forms E608Q.
Identifiers: ClinVar variation 3312838 (VCV003312838.1).
Genomic context (GRCh38, chr3:141,586,094, plus strand): 5'-GAAATTTCATCTACTGAAACTAAAGAGTCCAGTGGTACGAGTGAGCCTGTGCACCTGAAA[G>C]AAGGGTAATTTAATCAAATTAGACGTGAAAGTCATATATCAGTATAGATATTAAGTAAGT-3'
Protein context (NP_006497.2, residues 598-618): SGTSEPVHLK[Glu608Gln]GEMYKRAQGR